The following is an entry in ClinVar:

ClinVar aggregate classification (germline): Benign (0 of 4 stars; one submission).

Conditions:
TBC1D23-related disorder. Also called: TBC1D23-related condition.

Allele frequency attached by ClinVar (database versions not stated): TOPMed 0.00014; gnomAD 0.00103; gnomAD exomes 0.00173; ExAC 0.00439; 1000 Genomes Project 30x 0.00874; 1000 Genomes Project 0.00978.
gnomAD v4.1: 2,693 of 1,610,940 alleles (0.17%); highest among the groups gnomAD compares: South Asian, 2.8%; 61 homozygotes.

Submission:

PreventionGenetics, part of Exact Sciences
Classification: Benign for TBC1D23-related condition. Last evaluated: 2023-12-29. Review status: no assertion criteria provided. Collection method: clinical testing. Allele origin: germline.
Comment: This variant is classified as benign based on ACMG/AMP sequence variant interpretation guidelines (Richards et al. 2015 PMID: 25741868, with internal and published modifications).

NM_001199198.3(TBC1D23):c.735T>C (p.Ile245=)

Gene: TBC1D23 (TBC1 domain family member 23; plus strand). Cytogenetic location: 3q12.1.
Variant type: single nucleotide variant.
Coding change: c.735T>C on transcript NM_001199198.3 (MANE Select); coding-DNA position 735, T replaced by C.
Protein change: p.Ile245=; no amino-acid change (isoleucine 245 retained).
Molecular consequence: synonymous variant.
Genome position (GRCh38, 1-based): chr3:100,295,311, T>C. VCF-style: chr3-100295311-T-C. GRCh37 (hg19) VCF-style: chr3-100014155-T-C.
Other names: c.735T>C, p.Ile245= (NM_018309.5).
Identifiers: ClinVar variation 3042314 (VCV003042314.2), dbSNP rs199967519, ClinGen allele CA2514511.
Genomic context (GRCh38, chr3:100,295,311, plus strand): 5'-CAGGGTGCTCTGTTAATATTTAACTCAAATTGATTTGATTCCCTTTTACAGAGAAGTTAT[T>C]TTAACACAAGAGTCAGACAGCAAAGAAGAAGTTATCAGTAAGTATCATTTAATGTAGTGA-3'
Protein context (NP_001186127.1, residues 235-255): LIILVNAKEV[Ile245=]LTQESDSKEE